The following is an entry in ClinVar:

NM_176787.5(PIGN):c.1756A>G (p.Thr586Ala)

Gene: PIGN (phosphatidylinositol glycan anchor biosynthesis class N; minus strand). Cytogenetic location: 18q21.33.
Variant type: single nucleotide variant.
Coding change: c.1756A>G on transcript NM_176787.5 (MANE Select); coding-DNA position 1756, A replaced by G.
Protein change: p.Thr586Ala; replaces threonine 586 with alanine.
Molecular consequence: missense variant.
Genome position (GRCh38, 1-based): chr18:62,106,800, T>C on the plus strand (A>G on the coding strand, the complement: PIGN is on the minus strand). VCF-style: chr18-62106800-T-C. GRCh37 (hg19) VCF-style: chr18-59774033-T-C.
Other names: c.1756A>G, p.Thr586Ala (NM_012327.6); short protein forms T586A.
Identifiers: ClinVar variation 1957317 (VCV001957317.4), dbSNP rs762127847, ClinGen allele CA8982186.

ClinVar aggregate classification (germline): Uncertain significance (1 of 4 stars; one submission).

Conditions:
Multiple congenital anomalies-hypotonia-seizures syndrome 1 (MCAHS1). Also called: PIGN-CDG; Congenital disorder of glycosylation due to PIGN deficiency; GLYCOSYLPHOSPHATIDYLINOSITOL BIOSYNTHESIS DEFECT 3. Identifiers: Orphanet 280633, MedGen C3279775, MONDO:0013563, OMIM 614080.

Allele frequency attached by ClinVar (database versions not stated): gnomAD exomes below 0.00001; ExAC 0.00002.
gnomAD v4.1: 1 of 1,605,048 alleles (0.000062%); highest among the groups gnomAD compares: Non-Finnish European, 0.000085%; no homozygotes.

Submission:

Labcorp Genetics (formerly Invitae), Labcorp
Classification: Uncertain significance for Multiple congenital anomalies-hypotonia-seizures syndrome 1. Last evaluated: 2024-12-16. Review status: criteria provided, single submitter. Criteria: Invitae Variant Classification Sherloc (09022015). Collection method: clinical testing. Allele origin: germline.
Comment: This sequence change replaces threonine, which is neutral and polar, with alanine, which is neutral and non-polar, at codon 586 of the PIGN protein (p.Thr586Ala). The frequency data for this variant in the population databases is considered unreliable, as metrics indicate poor data quality at this position in the gnomAD database. This variant has not been reported in the literature in individuals affected with PIGN-related conditions. ClinVar contains an entry for this variant (Variation ID: 1957317). Invitae Evidence Modeling of protein sequence and biophysical properties (such as structural, functional, and spatial information, amino acid conservation, physicochemical variation, residue mobility, and thermodynamic stability) indicates that this missense variant is not expected to disrupt PIGN protein function with a negative predictive value of 80%. In summary, the available evidence is currently insufficient to determine the role of this variant in disease. Therefore, it has been classified as a Variant of Uncertain Significance.